The following is an entry in ClinVar:

NM_001080467.3(MYO5B):c.1455G>A (p.Trp485Ter)

Gene: MYO5B (myosin VB; minus strand). Cytogenetic location: 18q21.1.
Variant type: single nucleotide variant.
Coding change: c.1455G>A on transcript NM_001080467.3 (MANE Select); coding-DNA position 1455, G replaced by A.
Protein change: p.Trp485Ter; replaces tryptophan 485 with a stop codon.
Molecular consequence: nonsense.
Genome position (GRCh38, 1-based): chr18:49,962,356, C>T on the plus strand (G>A on the coding strand, the complement: MYO5B is on the minus strand). VCF-style: chr18-49962356-C-T. GRCh37 (hg19) VCF-style: chr18-47488726-C-T.
Other names: short protein forms W485*.
Identifiers: ClinVar variation 3389376 (VCV003389376.14).

ClinVar aggregate classification (germline): Pathogenic (1 of 4 stars; one submission).

Submission:

CeGaT Center for Human Genetics Tuebingen
Classification: Pathogenic. Last evaluated: 2024-10-01. Review status: criteria provided, single submitter. Criteria: CeGaT Center For Human Genetics Tuebingen Variant Classification Criteria Version 2. Collection method: clinical testing. Allele origin: germline. Affected: yes. Observed: 1 variant allele.
Comment: MYO5B: PVS1, PM2